The following is an entry in ClinVar:

NM_004208.4(AIFM1):c.1355T>C (p.Val452Ala)

Genes: AIFM1 (apoptosis inducing factor mitochondria associated 1; minus strand), RAB33A (RAB33A, member RAS oncogene family; plus strand). Cytogenetic location: Xq26.1.
Variant type: single nucleotide variant.
Coding change: c.1355T>C on transcript NM_004208.4 (MANE Select); coding-DNA position 1355, T replaced by C.
Protein change: p.Val452Ala; replaces valine 452 with alanine.
Molecular consequence: missense variant. On other transcripts: 3 prime UTR variant (1), non-coding transcript variant (1).
Genome position (GRCh38, 1-based): chrX:130,133,406, A>G on the plus strand (T>C on the coding strand, the complement: AIFM1 is on the minus strand). VCF-style: chrX-130133406-A-G. GRCh37 (hg19) VCF-style: chrX-129267381-A-G.
Other names: c.338T>C, p.Val113Ala (NM_001130846.4); c.*583T>C (NM_001130847.4); c.1343T>C, p.Val448Ala (NM_145812.3); short protein forms V113A, V448A, V452A.
Identifiers: ClinVar variation 912874 (VCV000912874.16), dbSNP rs1356446773, ClinGen allele CA414573648.

ClinVar aggregate classification (germline): Uncertain significance. Review status: criteria provided, multiple submitters, no conflicts (2 of 4 stars). 3 submissions from 3 submitters: Uncertain significance (3). Last evaluated 2025-09-22.

Conditions:
Combined oxidative phosphorylation deficiency. Identifiers: MedGen C4540031, MONDO:0000732.
Charcot-Marie-Tooth Neuropathy X. Identifiers: MedGen CN118851.
Severe X-linked mitochondrial encephalomyopathy. Also called: ENCEPHALOMYOPATHY, MITOCHONDRIAL, X-LINKED. Identifiers: Orphanet 238329, MedGen C3151753, MONDO:0010437, OMIM 300816.
Inborn genetic diseases. Identifiers: MedGen C0950123, MeSH D030342.

Allele frequency attached by ClinVar (database versions not stated): gnomAD exomes below 0.00001; TOPMed below 0.00001; gnomAD 0.00001.
gnomAD v4.1: 2 of 1,207,236 alleles (0.00017%); highest among the groups gnomAD compares: Non-Finnish European, 0.00022%; no homozygotes.

Submissions (3):

Ambry Genetics
Classification: Uncertain significance for Inborn genetic diseases. Last evaluated: 2025-09-22. Review status: criteria provided, single submitter. Criteria: Ambry Variant Classification Scheme 2023. Collection method: clinical testing. Allele origin: germline.

Labcorp Genetics (formerly Invitae), Labcorp
Classification: Uncertain significance for Charcot-Marie-Tooth Neuropathy X; Combined oxidative phosphorylation deficiency. Last evaluated: 2024-07-30. Review status: criteria provided, single submitter. Criteria: Invitae Variant Classification Sherloc (09022015). Collection method: clinical testing. Allele origin: germline.
Comment: This sequence change replaces valine, which is neutral and non-polar, with alanine, which is neutral and non-polar, at codon 452 of the AIFM1 protein (p.Val452Ala). This variant is not present in population databases (gnomAD no frequency). This variant has not been reported in the literature in individuals affected with AIFM1-related conditions. ClinVar contains an entry for this variant (Variation ID: 912874). Advanced modeling of protein sequence and biophysical properties (such as structural, functional, and spatial information, amino acid conservation, physicochemical variation, residue mobility, and thermodynamic stability) has been performed at Invitae for this missense variant, however the output from this modeling did not meet the statistical confidence thresholds required to predict the impact of this variant on AIFM1 protein function. In summary, the available evidence is currently insufficient to determine the role of this variant in disease. Therefore, it has been classified as a Variant of Uncertain Significance.

Illumina Laboratory Services, Illumina
Classification: Uncertain significance for Severe X-linked mitochondrial encephalomyopathy. Last evaluated: 2018-01-12. Review status: criteria provided, single submitter. Criteria: ICSL Variant Classification Criteria 13 December 2019. Collection method: clinical testing. Allele origin: germline.